The following is an entry in ClinVar:

NM_173596.3(SLC39A5):c.1595G>A (p.Arg532Gln)

Gene: SLC39A5 (solute carrier family 39 member 5; plus strand). Cytogenetic location: 12q13.3.
Variant type: single nucleotide variant.
Coding change: c.1595G>A on transcript NM_173596.3 (MANE Select); coding-DNA position 1595, G replaced by A.
Protein change: p.Arg532Gln; replaces arginine 532 with glutamine.
Molecular consequence: missense variant.
Genome position (GRCh38, 1-based): chr12:56,237,703, G>A. VCF-style: chr12-56237703-G-A. GRCh37 (hg19) VCF-style: chr12-56631487-G-A.
Other names: c.1595G>A, p.Arg532Gln (NM_001135195.2); short protein forms R532Q.
Identifiers: ClinVar variation 3797786 (VCV003797786.2).

ClinVar aggregate classification (germline): Conflicting classifications of pathogenicity. Review status: criteria provided, conflicting classifications (1 of 4 stars). 2 submissions from 2 submitters: Uncertain significance (1); Likely benign (1). Last evaluated 2025-05-30.

Conditions:
SLC39A5-related disorder. Also called: SLC39A5-related condition.

gnomAD v4.1: 37 of 1,586,908 alleles (0.0023%); highest among the groups gnomAD compares: African/African-American, 0.032%; no homozygotes.

Submissions (2):

PreventionGenetics, part of Exact Sciences
Classification: Uncertain significance for SLC39A5-related condition. Last evaluated: 2025-05-30. Review status: criteria provided, single submitter. Criteria: ACMG Guidelines, 2015. Collection method: clinical testing. Allele origin: germline.
Comment: The SLC39A5 c.1595G>A variant is predicted to result in the amino acid substitution p.Arg532Gln. To our knowledge, this variant has not been reported in the literature. This variant is reported in 0.021% of alleles in individuals of African descent in gnomAD. At this time, the clinical significance of this variant is uncertain due to the absence of conclusive functional and genetic evidence.

Ambry Genetics
Classification: Likely benign. Last evaluated: 2025-01-14. Review status: criteria provided, single submitter. Criteria: Ambry Variant Classification Scheme 2023. Collection method: clinical testing. Allele origin: germline.